The following is an entry in ClinVar:

NM_001292063.2(OTOG):c.6983T>C (p.Val2328Ala)

Gene: OTOG (otogelin; plus strand). Cytogenetic location: 11p15.1.
Variant type: single nucleotide variant.
Coding change: c.6983T>C on transcript NM_001292063.2 (MANE Select); coding-DNA position 6983, T replaced by C.
Protein change: p.Val2328Ala; replaces valine 2328 with alanine.
Molecular consequence: missense variant.
Genome position (GRCh38, 1-based): chr11:17,632,137, T>C. VCF-style: chr11-17632137-T-C. GRCh37 (hg19) VCF-style: chr11-17653684-T-C.
Other names: c.7019T>C, p.Val2340Ala (NM_001277269.2); short protein forms V2328A, V2340A.
Identifiers: ClinVar variation 1905532 (VCV001905532.5), dbSNP rs1183675161, ClinGen allele CA379810510.
Genomic context (GRCh38, chr11:17,632,137, plus strand): 5'-CATATGTCCAGGTGCCTCCGGAGTCATTCTGTGAGCTGTGGATCCGGGACACCAAGTACG[T>C]GCAGCAGCCCTGCGTGGCCCTGACTGTGTACGTGGCCATGTGCCACAAATTTCATGTGTG-3'
Protein context (NP_001278992.1, residues 2318-2338): CELWIRDTKY[Val2328Ala]QQPCVALTVY

ClinVar aggregate classification (germline): Uncertain significance (1 of 4 stars; one submission).

Allele frequency attached by ClinVar (database versions not stated): TOPMed below 0.00001; gnomAD 0.00001; gnomAD exomes 0.00001.
gnomAD v4.1: 11 of 1,550,948 alleles (0.00071%); highest among the groups gnomAD compares: Non-Finnish European, 0.00087%; no homozygotes.

Submission:

Labcorp Genetics (formerly Invitae), Labcorp
Classification: Uncertain significance. Last evaluated: 2022-04-15. Review status: criteria provided, single submitter. Criteria: Invitae Variant Classification Sherloc (09022015). Collection method: clinical testing. Allele origin: germline.
Comment: In summary, the available evidence is currently insufficient to determine the role of this variant in disease. Therefore, it has been classified as a Variant of Uncertain Significance. Algorithms developed to predict the effect of missense changes on protein structure and function are either unavailable or do not agree on the potential impact of this missense change (SIFT: "Tolerated"; PolyPhen-2: "Possibly Damaging"; Align-GVGD: "Class C0"). This variant has not been reported in the literature in individuals affected with OTOG-related conditions. The frequency data for this variant in the population databases is considered unreliable, as metrics indicate poor data quality at this position in the gnomAD database. This sequence change replaces valine, which is neutral and non-polar, with alanine, which is neutral and non-polar, at codon 2340 of the OTOG protein (p.Val2340Ala).